The following is an entry in ClinVar:

NM_000388.4(CASR):c.659G>C (p.Arg220Pro)

Gene: CASR (calcium sensing receptor; plus strand). Cytogenetic location: 3q21.1.
Variant type: single nucleotide variant.
Coding change: c.659G>C on transcript NM_000388.4 (MANE Select); coding-DNA position 659, G replaced by C.
Protein change: p.Arg220Pro; replaces arginine 220 with proline.
Molecular consequence: missense variant.
Genome position (GRCh38, 1-based): chr3:122,261,694, G>C. VCF-style: chr3-122261694-G-C. GRCh37 (hg19) VCF-style: chr3-121980541-G-C.
Other names: c.659G>C, p.Arg220Pro (NM_001178065.2); short protein forms R220P.
Identifiers: ClinVar variation 2203413 (VCV002203413.4), dbSNP rs1202110240, ClinGen allele CA354151068.

ClinVar aggregate classification (germline): Pathogenic (1 of 4 stars; one submission).

Conditions:
Autosomal dominant hypocalcemia 1 (HYPOC1). Also called: HYPOCALCEMIA, FAMILIAL. Identifiers: MedGen C3715128, MONDO:0011013, OMIM 601198.
Familial hypocalciuric hypercalcemia (FHH). Also called: Familial benign hypercalcemia. Identifiers: Orphanet 405, MedGen C1809471, MONDO:0018458.

Submission:

Labcorp Genetics (formerly Invitae), Labcorp
Classification: Pathogenic for Familial hypocalciuric hypercalcemia; Autosomal dominant hypocalcemia 1. Last evaluated: 2022-04-24. Review status: criteria provided, single submitter. Criteria: Invitae Variant Classification Sherloc (09022015). Collection method: clinical testing. Allele origin: germline.
Comment: Algorithms developed to predict the effect of missense changes on protein structure and function (SIFT, PolyPhen-2, Align-GVGD) all suggest that this variant is likely to be disruptive. This missense change has been observed in individual(s) with familial hypocalciuric hypercalcemia (PMID: 22422767, 23081733). It has also been observed to segregate with disease in related individuals. This variant is not present in population databases (gnomAD no frequency). This sequence change replaces arginine, which is basic and polar, with proline, which is neutral and non-polar, at codon 220 of the CASR protein (p.Arg220Pro). This variant disrupts the p.Arg220 amino acid residue in CASR. Other variant(s) that disrupt this residue have been determined to be pathogenic (PMID: 1889203, 10885494, 11763315, 11889203, 17974727, 22142470, 22192860, 22422767). This suggests that this residue is clinically significant, and that variants that disrupt this residue are likely to be disease-causing. For these reasons, this variant has been classified as Pathogenic.

Literature cited by the submitters: PubMed 22422767; PubMed 23081733; PubMed 1889203; PubMed 10885494; PubMed 11763315; PubMed 11889203; PubMed 17974727; PubMed 22142470; PubMed 22192860.